The following is an entry in ClinVar:

NM_030653.4(DDX11):c.927G>C (p.Gln309His)

Gene: DDX11 (DEAD/H-box helicase 11; plus strand). Cytogenetic location: 12p11.21.
Variant type: single nucleotide variant.
Coding change: c.927G>C on transcript NM_030653.4 (MANE Select); coding-DNA position 927, G replaced by C.
Protein change: p.Gln309His; replaces glutamine 309 with histidine.
Molecular consequence: missense variant.
Genome position (GRCh38, 1-based): chr12:31,089,932, G>C. VCF-style: chr12-31089932-G-C. GRCh37 (hg19) VCF-style: chr12-31242866-G-C.
Other names: c.927G>C, p.Gln309His (NM_001257144.2, NM_004399.3, NM_152438.2); c.849G>C, p.Gln283His (NM_001257145.2); short protein forms Q283H, Q309H.
Identifiers: ClinVar variation 1326514 (VCV001326514.28), dbSNP rs765283170, ClinGen allele CA6501062.
Genomic context (GRCh38, chr12:31,089,932, plus strand): 5'-TGTGCCACCCTCAGAGAAGAAGAAAGGAGCTGAGGAGGAGAAGCCAAAGAGGAGGAGGCA[G>C]GAGAAGCAGGCAGCCTGCCCCTTCTACAACCACGAGCAGATGGGCCTTCTCCGGGATGAG-3'
Protein context (NP_085911.2, residues 299-319): AEEEKPKRRR[Gln309His]EKQAACPFYN

ClinVar aggregate classification (germline): Uncertain significance. Review status: criteria provided, multiple submitters, no conflicts (2 of 4 stars). 3 submissions from 3 submitters: Uncertain significance (3). Last evaluated 2025-06-07.

Conditions:
Inborn genetic diseases. Identifiers: MedGen C0950123, MeSH D030342.

Allele frequency attached by ClinVar (database versions not stated): gnomAD 0.00004; ExAC 0.00021.

Submissions (3):

Ambry Genetics
Classification: Uncertain significance for Inborn genetic diseases. Last evaluated: 2025-06-07. Review status: criteria provided, single submitter. Criteria: Ambry Variant Classification Scheme 2023. Collection method: clinical testing. Allele origin: germline.

CeGaT Center for Human Genetics Tuebingen
Classification: Uncertain significance. Last evaluated: 2022-08-01. Review status: criteria provided, single submitter. Criteria: CeGaT Center For Human Genetics Tuebingen Variant Classification Criteria Version 2. Collection method: clinical testing. Allele origin: germline. Affected: yes. Observed: 2 variant alleles.
Comment: DDX11: PM2, BP4

GeneDx
Classification: Uncertain significance. Last evaluated: 2021-05-28. Review status: criteria provided, single submitter. Criteria: GeneDx Variant Classification Process June 2021. Collection method: clinical testing. Allele origin: germline. Affected: yes.
Comment: Has not been previously published as pathogenic or benign to our knowledge; In silico analysis supports that this missense variant does not alter protein structure/function; This variant is associated with the following publications: (PMID: 27535533)